The following is an entry in ClinVar:

NM_001130144.3(LTBP3):c.148_183dup (p.Arg61_Phe62insGlyAlaGlyGlyGlyGlyAlaLeuAlaArgGluArg)

Gene: LTBP3 (latent transforming growth factor beta binding protein 3; minus strand). Cytogenetic location: 11q13.1.
Variant type: Duplication.
Coding change: c.148_183dup on transcript NM_001130144.3 (MANE Select); coding-DNA positions 148 to 183, 36 bases duplicated.
Protein change: p.Arg61_Phe62insGlyAlaGlyGlyGlyGlyAlaLeuAlaArgGluArg.
Molecular consequence: inframe insertion. On other transcripts: 5 prime UTR variant (1).
Genome position (GRCh38, 1-based): chr11:65,557,777-65,557,812, 36 bases duplicated. GRCh37 (hg19): chr11:65,325,248-65,325,283.
Other names: c.-200_-165dup (NM_001164266.1); c.148_183dup, p.Arg61_Phe62insGlyAlaGlyGlyGlyGlyAlaLeuAlaArgGluArg (NM_021070.4).
Identifiers: ClinVar variation 3617968 (VCV003617968.2).

ClinVar aggregate classification (germline): Uncertain significance (1 of 4 stars; one submission).

Conditions:
Brachyolmia-amelogenesis imperfecta syndrome. Also called: Tooth agenesis, selective, 6; Dental anomalies and short stature; PLATYSPONDYLY WITH AMELOGENESIS IMPERFECTA. Identifiers: Orphanet 2899, MedGen C1832594, MONDO:0011018, OMIM 601216. Disease mechanism: loss of function.

Submission:

Labcorp Genetics (formerly Invitae), Labcorp
Classification: Uncertain significance for Brachyolmia-amelogenesis imperfecta syndrome. Last evaluated: 2024-08-29. Review status: criteria provided, single submitter. Criteria: Invitae Variant Classification Sherloc (09022015). Collection method: clinical testing. Allele origin: germline.
Comment: This variant, c.148_183dup, results in the insertion of 12 amino acid(s) of the LTBP3 protein (p.Gly50_Arg61dup), but otherwise preserves the integrity of the reading frame. This variant is not present in population databases (gnomAD no frequency). This variant has not been reported in the literature in individuals affected with LTBP3-related conditions. In summary, the available evidence is currently insufficient to determine the role of this variant in disease. Therefore, it has been classified as a Variant of Uncertain Significance.